The following is an entry in ClinVar:

NM_000228.3(LAMB3):c.1127G>C (p.Cys376Ser)

Gene: LAMB3 (laminin subunit beta 3; minus strand). Cytogenetic location: 1q32.2.
Variant type: single nucleotide variant.
Coding change: c.1127G>C on transcript NM_000228.3 (MANE Select); coding-DNA position 1127, G replaced by C.
Protein change: p.Cys376Ser; replaces cysteine 376 with serine.
Molecular consequence: missense variant.
Genome position (GRCh38, 1-based): chr1:209,629,742, C>G on the plus strand (G>C on the coding strand, the complement: LAMB3 is on the minus strand). VCF-style: chr1-209629742-C-G. GRCh37 (hg19) VCF-style: chr1-209803087-C-G.
Other names: c.1127G>C, p.Cys376Ser (NM_001017402.2, NM_001127641.1); short protein forms C376S.
Identifiers: ClinVar variation 427159 (VCV000427159.2), dbSNP rs1085307994, ClinGen allele CA344592141.

ClinVar aggregate classification (germline): Likely pathogenic (1 of 4 stars; one submission).

Allele frequency attached by ClinVar (database versions not stated): gnomAD exomes below 0.00001.
gnomAD v4.1: 1 of 1,614,036 alleles (0.000062%); highest among the groups gnomAD compares: South Asian, 0.0011%; no homozygotes.

Submission:

GeneDx
Classification: Likely pathogenic. Last evaluated: 2015-05-11. Review status: criteria provided, single submitter. Criteria: GeneDx Variant Classification (06012015). Collection method: clinical testing. Allele origin: germline. Affected: yes.
Comment: The p.Cys376Ser variant in the LAMB3 gene has not been reported previously as a disease-causing variant nor as a benign polymorphism, to our knowledge. The p.Cys376Ser variant was not observed in approximately 6500 individuals of European and African American ancestry in the NHLBI Exome Sequencing Project, indicating it is not a common benign variant in these populations. The p.Cys376Ser variant is a non-conservative amino acid substitution, which is likely to impact secondary protein structure as these residues differ in polarity, charge, size and/or other properties. This substitution occurs at a position that is conserved across species. In silico analysis predicts this variant is probably damaging to the protein structure/function. Since Cysteines are often involved in disulfide bonding and are important for protein secondary structure and for associations between proteins. Missense variant in nearby residues (R366W) have been reported in the Human Gene Mutation Database in association with JEB (Stenson et al., 2014), supporting the functional importance of this region of the protein. We interpret p.Cys376Ser as a disease-causing variant